The following is an entry in ClinVar:

ClinVar aggregate classification (germline): Uncertain significance (1 of 4 stars; one submission).

Submission:

GeneDx
Classification: Uncertain significance. Last evaluated: 2017-05-31. Review status: criteria provided, single submitter. Criteria: GeneDx Variant Classification (06012015). Collection method: clinical testing. Allele origin: germline. Affected: yes.
Comment: The P623L variant in the COL4A1 gene has not been reported previously as a pathogenic variant, nor as a benign variant, to our knowledge. The P623L variant is not observed in large population cohorts (Lek et al., 2016; 1000 Genomes Consortium et al., 2015; Exome Variant Server). The P623L variant is a semi-conservative amino acid substitution, which may impact secondary protein structure as these residues differ in some properties. This substitution occurs at a position that is conserved in mammals, and in silico analysis predicts this variant is probably damaging to the protein structure/function. We interpret P623L as a variant of uncertain significance.

NM_001845.6(COL4A1):c.1868C>T (p.Pro623Leu)

Gene: COL4A1 (collagen type IV alpha 1 chain; minus strand). Cytogenetic location: 13q34.
Variant type: single nucleotide variant.
Coding change: c.1868C>T on transcript NM_001845.6 (MANE Select); coding-DNA position 1868, C replaced by T.
Protein change: p.Pro623Leu; replaces proline 623 with leucine.
Molecular consequence: missense variant.
Genome position (GRCh38, 1-based): chr13:110,186,414, G>A on the plus strand (C>T on the coding strand, the complement: COL4A1 is on the minus strand). VCF-style: chr13-110186414-G-A. GRCh37 (hg19) VCF-style: chr13-110838761-G-A.
Other names: short protein forms P623L.
Identifiers: ClinVar variation 432485 (VCV000432485.2), dbSNP rs1555304107, ClinGen allele CA388722568.